The following is an entry in ClinVar:

NM_000264.5(PTCH1):c.431G>A (p.Arg144His)

Gene: PTCH1 (patched 1; minus strand). Cytogenetic location: 9q22.32.
Variant type: single nucleotide variant.
Coding change: c.431G>A on transcript NM_000264.5 (MANE Select); coding-DNA position 431, G replaced by A.
Protein change: p.Arg144His; replaces arginine 144 with histidine.
Molecular consequence: missense variant. On other transcripts: 5 prime UTR variant (4), non-coding transcript variant (1).
Genome position (GRCh38, 1-based): chr9:95,485,838, C>T on the plus strand (G>A on the coding strand, the complement: PTCH1 is on the minus strand). VCF-style: chr9-95485838-C-T. GRCh37 (hg19) VCF-style: chr9-98248120-C-T.
Other names: c.233G>A, p.Arg78His (NM_001083602.3, NM_001354919.2); c.428G>A, p.Arg143His (NM_001083603.3); c.-23G>A (NM_001083604.3, NM_001083605.3, NM_001083606.3 and 1 more transcripts); c.431G>A, p.Arg144His (NM_001354918.2); short protein forms R78H, R144H, R143H.
Identifiers: ClinVar variation 575795 (VCV000575795.17), dbSNP rs1316474105, ClinGen allele CA374117217.

ClinVar aggregate classification (germline): Conflicting classifications of pathogenicity. Review status: criteria provided, conflicting classifications (1 of 4 stars). 4 submissions from 4 submitters: Uncertain significance (3); Likely benign (1). Last evaluated 2026-07-27.

Conditions:
Hereditary cancer-predisposing syndrome. Also called: Neoplastic Syndromes, Hereditary; Tumor predisposition; Hereditary Cancer Syndrome; Hereditary neoplastic syndrome. Identifiers: Orphanet 140162, MedGen C0027672, MeSH D009386, MONDO:0015356.
PTCH1-related disorder. Also called: PTCH1-related disorders; PTCH1-related condition.
Gorlin syndrome. Also called: Basal cell nevus syndrome; Nevoid Basal Cell Carcinoma Syndrome. Identifiers: Orphanet 377, MedGen C0004779, MONDO:0007187.

Allele frequency attached by ClinVar (database versions not stated): gnomAD exomes below 0.00001.
gnomAD v4.1: 7 of 1,614,112 alleles (0.00043%); highest among the groups gnomAD compares: Non-Finnish European, 0.00059%; no homozygotes.

Submissions (4):

PreventionGenetics, part of Exact Sciences
Classification: Uncertain significance for PTCH1-related condition. Last evaluated: 2026-07-27. Review status: criteria provided, single submitter. Criteria: ACMG Guidelines, 2015. Collection method: clinical testing. Allele origin: germline.
Comment: The PTCH1 c.431G>A variant is predicted to result in the amino acid substitution p.Arg144His. To our knowledge, this variant has not been reported in the literature. This variant is reported in 0.0029% of alleles in individuals of Latino descent in gnomAD and has conflicting interpretations in ClinVar ranging from likely benign to uncertain (Variation ID: 575795). At this time, the clinical significance of this variant is uncertain due to the absence of conclusive functional and genetic evidence.

Labcorp Genetics (formerly Invitae), Labcorp
Classification: Likely benign for Gorlin syndrome. Last evaluated: 2026-01-06. Review status: criteria provided, single submitter. Criteria: Invitae Variant Classification Sherloc (09022015). Collection method: clinical testing. Allele origin: germline.

Ambry Genetics
Classification: Uncertain significance for Hereditary cancer-predisposing syndrome. Last evaluated: 2024-05-08. Review status: criteria provided, single submitter. Criteria: Ambry Variant Classification Scheme 2023. Collection method: clinical testing. Allele origin: germline.
Comment: The p.R144H variant (also known as c.431G>A), located in coding exon 3 of the PTCH1 gene, results from a G to A substitution at nucleotide position 431. The arginine at codon 144 is replaced by histidine, an amino acid with highly similar properties. This amino acid position is highly conserved in available vertebrate species. In addition, this alteration is predicted to be deleterious by in silico analysis. Based on the available evidence, the clinical significance of this variant remains unclear.

Victorian Clinical Genetics Services, Murdoch Childrens Research Institute
Classification: Uncertain significance for Gorlin syndrome. Last evaluated: 2020-05-25. Review status: criteria provided, single submitter. Criteria: ACMG Guidelines, 2015. Collection method: clinical testing. Allele origin: germline. Inheritance: Autosomal dominant inheritance. Affected: yes.
Comment: Based on the classification scheme VCGS_Germline_v1.1.1, this variant is classified as 3B-VUS. Following criteria are met: 0102 - Loss-of-function is a known mechanism of disease for this gene. (N) 0107 - This gene is known to be associated with autosomal dominant disease. (N) 0200 - Variant is predicted to result in a missense amino acid change from arginine to histidine (exon 3). (N) 0251 - Variant is heterozygous. (N) 0302 - Variant is present in gnomAD <0.001 for a dominant condition (1 heterozygote, 0 homozygotes). (P) 0309 - An alternative amino acid change at the same position has been observed in gnomAD (1 heterozygote, 0 homozygotes). (N) 0501 - Missense variant consistently predicted to be damaging by multiple in silico tools with high conservation but a minor amino acid change. (P) 0600 - Variant is located in an annotated domain or motif (patched superfamily; NCBI). (N) 0705 - No comparable variants have previous evidence for pathogenicity. (N) 0804 - Variant has previously been described as a variant of uncertain significance (ClinVar). (N) 0905 - No segregation evidence has been identified for this variant, ie. no segregation studies published in literature. (N) 1007 - No published functional evidence has been identified for this variant. (N) 1208 - Inheritance information for this variant is not currently available. (N) Legend: (P) - Pathogenic, (N) - Neutral, (B) - Benign